The following is an entry in ClinVar:

NM_000275.3(OCA2):c.1843C>T (p.His615Tyr)

Gene: OCA2 (OCA2 melanosomal transmembrane protein; minus strand). Cytogenetic location: 15q13.1.
Variant type: single nucleotide variant.
Coding change: c.1843C>T on transcript NM_000275.3 (MANE Select); coding-DNA position 1843, C replaced by T.
Protein change: p.His615Tyr; replaces histidine 615 with tyrosine.
Molecular consequence: missense variant.
Genome position (GRCh38, 1-based): chr15:27,951,892, G>A on the plus strand (C>T on the coding strand, the complement: OCA2 is on the minus strand). VCF-style: chr15-27951892-G-A. GRCh37 (hg19) VCF-style: chr15-28197038-G-A.
Other names: c.1771C>T, p.His591Tyr (NM_001300984.2); short protein forms H591Y, H615Y.
Identifiers: ClinVar variation 1510364 (VCV001510364.5), dbSNP rs755768280, ClinGen allele CA7438875.
Genomic context (GRCh38, chr15:27,951,892, plus strand): 5'-AGATAACAAATCCCAACACTGTCAGGCATTTGGCGAGCAGAATCCCGTCAGATATCCTAT[G>A]CTGTAAGAGAGAAACCACAGCTCATTTACTCTGCACAACCTTCTGACTCCTGCAGCGTGT-3'
Protein context (NP_000266.2, residues 605-625): ETNIQELQKK[His615Tyr]RISDGILLAK

ClinVar aggregate classification (germline): Uncertain significance (1 of 4 stars; one submission).

Allele frequency attached by ClinVar (database versions not stated): TOPMed 0.00005; gnomAD 0.00005; gnomAD exomes 0.00002; ExAC 0.00003.
gnomAD v4.1: 105 of 1,605,644 alleles (0.0065%); highest among the groups gnomAD compares: Non-Finnish European, 0.0083%; no homozygotes.

Submission:

Labcorp Genetics (formerly Invitae), Labcorp
Classification: Uncertain significance. Last evaluated: 2022-07-08. Review status: criteria provided, single submitter. Criteria: Invitae Variant Classification Sherloc (09022015). Collection method: clinical testing. Allele origin: germline.
Comment: This sequence change replaces histidine, which is basic and polar, with tyrosine, which is neutral and polar, at codon 615 of the OCA2 protein (p.His615Tyr). This variant is present in population databases (rs755768280, gnomAD 0.007%). This variant has not been reported in the literature in individuals affected with OCA2-related conditions. ClinVar contains an entry for this variant (Variation ID: 1510364). Algorithms developed to predict the effect of missense changes on protein structure and function are either unavailable or do not agree on the potential impact of this missense change (SIFT: "Deleterious"; PolyPhen-2: "Benign"; Align-GVGD: "Class C0"). In summary, the available evidence is currently insufficient to determine the role of this variant in disease. Therefore, it has been classified as a Variant of Uncertain Significance.